The following is an entry in ClinVar:

NM_005515.4(MNX1):c.682G>A (p.Asp228Asn)

Gene: MNX1 (motor neuron and pancreas homeobox 1; minus strand). Cytogenetic location: 7q36.3.
Variant type: single nucleotide variant.
Coding change: c.682G>A on transcript NM_005515.4 (MANE Select); coding-DNA position 682, G replaced by A.
Protein change: p.Asp228Asn; replaces aspartic acid 228 with asparagine.
Molecular consequence: missense variant.
Genome position (GRCh38, 1-based): chr7:157,009,669, C>T on the plus strand (G>A on the coding strand, the complement: MNX1 is on the minus strand). VCF-style: chr7-157009669-C-T. GRCh37 (hg19) VCF-style: chr7-156802363-C-T.
Other names: short protein forms D228N.
Identifiers: ClinVar variation 3621511 (VCV003621511.2).

ClinVar aggregate classification (germline): Uncertain significance (1 of 4 stars; one submission).

Submission:

Labcorp Genetics (formerly Invitae), Labcorp
Classification: Uncertain significance. Last evaluated: 2024-05-16. Review status: criteria provided, single submitter. Criteria: Invitae Variant Classification Sherloc (09022015). Collection method: clinical testing. Allele origin: germline.
Comment: This sequence change replaces aspartic acid, which is acidic and polar, with asparagine, which is neutral and polar, at codon 228 of the MNX1 protein (p.Asp228Asn). The frequency data for this variant in the population databases is considered unreliable, as metrics indicate poor data quality at this position in the gnomAD database. This variant has not been reported in the literature in individuals affected with MNX1-related conditions. Advanced modeling of protein sequence and biophysical properties (such as structural, functional, and spatial information, amino acid conservation, physicochemical variation, residue mobility, and thermodynamic stability) performed at Invitae indicates that this missense variant is expected to disrupt MNX1 protein function with a positive predictive value of 80%. In summary, the available evidence is currently insufficient to determine the role of this variant in disease. Therefore, it has been classified as a Variant of Uncertain Significance.